The following is an entry in ClinVar:

ClinVar aggregate classification (germline): Likely pathogenic (1 of 4 stars; one submission).

Submission:

GeneDx
Classification: Likely pathogenic. Last evaluated: 2024-12-22. Review status: criteria provided, single submitter. Criteria: GeneDx Variant Classification Process June 2021. Collection method: clinical testing. Allele origin: germline. Affected: yes.
Comment: Nonsense variant predicted to result in protein truncation or nonsense mediated decay in a gene for which loss of function is a known mechanism of disease; Not observed at significant frequency in large population cohorts (gnomAD); Has not been previously published as pathogenic or benign to our knowledge

NM_001122659.3(EDNRB):c.661G>T (p.Glu221Ter)

Genes: EDNRB (endothelin receptor type B; minus strand), EDNRB-AS1 (EDNRB antisense RNA 1; plus strand). Cytogenetic location: 13q22.3.
Variant type: single nucleotide variant.
Coding change: c.661G>T on transcript NM_001122659.3 (MANE Select); coding-DNA position 661, G replaced by T.
Protein change: p.Glu221Ter; replaces glutamic acid 221 with a stop codon.
Molecular consequence: nonsense.
Genome position (GRCh38, 1-based): chr13:77,903,296, C>A on the plus strand (G>T on the coding strand, the complement: EDNRB is on the minus strand). VCF-style: chr13-77903296-C-A. GRCh37 (hg19) VCF-style: chr13-78477431-C-A.
Other names: c.661G>T, p.Glu221Ter (NM_000115.5, NM_003991.4); c.931G>T, p.Glu311Ter (NM_001201397.2); short protein forms E221*, E311*.
Identifiers: ClinVar variation 3906467 (VCV003906467.1).